The following is an entry in ClinVar:

NM_004958.4(MTOR):c.3623G>T (p.Arg1208Leu)

Gene: MTOR (mechanistic target of rapamycin kinase; minus strand). Cytogenetic location: 1p36.22.
Variant type: single nucleotide variant.
Coding change: c.3623G>T on transcript NM_004958.4 (MANE Select); coding-DNA position 3623, G replaced by T.
Protein change: p.Arg1208Leu; replaces arginine 1208 with leucine.
Molecular consequence: missense variant.
Genome position (GRCh38, 1-based): chr1:11,210,845, C>A on the plus strand (G>T on the coding strand, the complement: MTOR is on the minus strand). VCF-style: chr1-11210845-C-A. GRCh37 (hg19) VCF-style: chr1-11270902-C-A.
Other names: c.3623G>T, p.Arg1208Leu (NM_001386500.1); c.2375G>T, p.Arg792Leu (NM_001386501.1); short protein forms R1208L, R792L.
Identifiers: ClinVar variation 1314836 (VCV001314836.2), dbSNP rs1481407496, ClinGen allele CA338372132.
Genomic context (GRCh38, chr1:11,210,845, plus strand): 5'-CTTCAGAACAGAAAAGAAGTATAGTTCACCTTGACAATTCTGCAGATGAGCACATCATAG[C>A]GCTGATGATTGATTCGGTGTCGCACCAGAACTTTATTCACCATTGGAATGAAAATTTGGT-3'
Protein context (NP_004949.1, residues 1198-1218): VLVRHRINHQ[Arg1208Leu]YDVLICRIVK

ClinVar aggregate classification (germline): Uncertain significance (1 of 4 stars; one submission).

gnomAD v4.1: 6 of 1,613,700 alleles (0.00037%); highest among the groups gnomAD compares: Non-Finnish European, 0.00051%; no homozygotes.

Submission:

GeneDx
Classification: Uncertain significance. Last evaluated: 2021-04-20. Review status: criteria provided, single submitter. Criteria: GeneDx Variant Classification Process June 2021. Collection method: clinical testing. Allele origin: germline. Affected: yes.
Comment: Not observed in large population cohorts (Lek et al., 2016); In silico analysis supports that this missense variant has a deleterious effect on protein structure/function; Has not been previously published as pathogenic or benign to our knowledge